The following is an entry in ClinVar:

NM_004656.4(BAP1):c.415A>G (p.Lys139Glu)

Gene: BAP1 (BRCA1 associated deubiquitinase 1; minus strand). Cytogenetic location: 3p21.1.
Variant type: single nucleotide variant.
Coding change: c.415A>G on transcript NM_004656.4 (MANE Select); coding-DNA position 415, A replaced by G.
Protein change: p.Lys139Glu; replaces lysine 139 with glutamic acid.
Molecular consequence: missense variant.
Genome position (GRCh38, 1-based): chr3:52,407,421, T>C on the plus strand (A>G on the coding strand, the complement: BAP1 is on the minus strand). VCF-style: chr3-52407421-T-C. GRCh37 (hg19) VCF-style: chr3-52441437-T-C.
Other names: short protein forms K139E.
Identifiers: ClinVar variation 1446535 (VCV001446535.8), dbSNP rs2153227949, ClinGen allele CA353110868.

ClinVar aggregate classification (germline): Uncertain significance (1 of 4 stars; one submission).

Conditions:
BAP1-related tumor predisposition syndrome (TPDS1). Also called: BAP1 tumor predisposition syndrome; COMMON Syndrome; TUMOR PREDISPOSITION SYNDROME 1; Tumor susceptibility linked to germline BAP1 mutations. Identifiers: Orphanet 289539, MedGen C3280492, MONDO:0013692, OMIM 614327.

Submission:

Labcorp Genetics (formerly Invitae), Labcorp
Classification: Uncertain significance for BAP1-related tumor predisposition syndrome. Last evaluated: 2021-06-20. Review status: criteria provided, single submitter. Criteria: Invitae Variant Classification Sherloc (09022015). Collection method: clinical testing. Allele origin: germline.
Comment: In summary, the available evidence is currently insufficient to determine the role of this variant in disease. Therefore, it has been classified as a Variant of Uncertain Significance. Algorithms developed to predict the effect of missense changes on protein structure and function (SIFT, PolyPhen-2, Align-GVGD) all suggest that this variant is likely to be tolerated, but these predictions have not been confirmed by published functional studies and their clinical significance is uncertain. This variant has not been reported in the literature in individuals with BAP1-related conditions. This variant is not present in population databases (ExAC no frequency). This sequence change replaces lysine with glutamic acid at codon 139 of the BAP1 protein (p.Lys139Glu). The lysine residue is moderately conserved and there is a small physicochemical difference between lysine and glutamic acid.